The following is an entry in ClinVar:

ClinVar aggregate classification (germline): Conflicting classifications of pathogenicity. Review status: criteria provided, conflicting classifications (1 of 4 stars). 6 submissions from 6 submitters: Likely pathogenic (2); Uncertain significance (3). 1 of the submissions does not count toward it. Last evaluated 2026-05-04.

Conditions:
Recessive dystrophic epidermolysis bullosa (RDEB). Also called: Epidermolysis Bullosa Distrophica Autosomal Recessive (RDEB); EPIDERMOLYSIS BULLOSA DYSTROPHICA, HALLOPEAU-SIEMENS TYPE; Recessive DEB (RDEB); epidermolysis bullosa dystrophica, autosomal recessive; DYSTROPHIC EPIDERMOLYSIS BULLOSA, AUTOSOMAL RECESSIVE; Hallopeau-Siemens Disease. Identifiers: Orphanet 79408, Orphanet 79409, MedGen C0079474, MONDO:0009179, OMIM 226600.
Epidermolysis bullosa dystrophica inversa, autosomal recessive. Identifiers: MedGen C2673612.

Allele frequency attached by ClinVar (database versions not stated): ExAC 0.00002; gnomAD exomes 0.00002; gnomAD 0.00005 and 0.00006; TOPMed 0.00006.
gnomAD v4.1: 91 of 1,612,616 alleles (0.0056%); highest among the groups gnomAD compares: Non-Finnish European, 0.0067%; no homozygotes.

Submissions (6):

Myriad Genetics, Inc.
Classification: Uncertain significance for Recessive dystrophic epidermolysis bullosa. Last evaluated: 2026-05-04. Review status: criteria provided, single submitter. Criteria: Myriad Autosomal Dominant, Autosomal Recessive and X-Linked Classification Criteria (2023). Collection method: clinical testing. Allele origin: unknown.
Comment: NM_000094.3(COL7A1):c.6005G>A(R2002H) is a missense variant classified as a variant of uncertain significance in the context of dystrophic epidermolysis bullosa. R2002H has been observed in a case with relevant disease (PMID: 24947307). Relevant functional assessments of this variant are not available in the literature. R2002H has been observed in referenced population frequency databases. In summary, there is insufficient evidence to classify NM_000094.3(COL7A1):c.6005G>A(R2002H) as pathogenic or benign. Please note: this variant was assessed in the context of healthy population screening.

Dasa
Classification: Uncertain significance. Last evaluated: 2026-02-19. Review status: criteria provided, single submitter. Criteria: DASA Assertion Criteria. Collection method: clinical testing. Allele origin: germline.
Comment: NM_000094.4(COL7A1):c.6005G>A (p.Arg2002His) is a missense variant that results in the substitution of arginine with histidine. This variant has been reported in individuals with COL7A1-related disorders (PMID: 24947307). Also, this variant is rare in population databases. The currently available literature and clinical evidence are not sufficient to establish a definitive association between this variant and the reported condition. Therefore, this variant is classified as a variant of uncertain significance.

Labcorp Genetics (formerly Invitae), Labcorp
Classification: Likely pathogenic. Last evaluated: 2026-01-23. Review status: criteria provided, single submitter. Criteria: Invitae Variant Classification Sherloc (09022015). Collection method: clinical testing. Allele origin: germline.
Comment: This sequence change replaces arginine, which is basic and polar, with histidine, which is basic and polar, at codon 2002 of the COL7A1 protein (p.Arg2002His). This variant is present in population databases (rs768326843, gnomAD 0.004%). This missense change has been observed in individual(s) with clinical features of autosomal recessive dystrophic epidermolysis bullosa (PMID: 24947307; internal data). In at least one individual the data is consistent with being in trans (on the opposite chromosome) from a pathogenic variant. ClinVar contains an entry for this variant (Variation ID: 449666). Invitae Evidence Modeling of protein sequence and biophysical properties (such as structural, functional, and spatial information, amino acid conservation, physicochemical variation, residue mobility, and thermodynamic stability) has been performed for this missense variant. However, the output from this modeling did not meet the statistical confidence thresholds required to predict the impact of this variant on COL7A1 protein function. In summary, the currently available evidence indicates that the variant is pathogenic, but additional data are needed to prove that conclusively. Therefore, this variant has been classified as Likely Pathogenic.

Laboratory for Molecular Medicine, Mass General Brigham Personalized Medicine
Classification: Uncertain significance. Last evaluated: 2020-01-15. Review status: criteria provided, single submitter. Criteria: LMM Criteria. Collection method: clinical testing. Allele origin: germline. Observed: 1 variant allele.
Comment: Variant classified as Uncertain Significance - Favor Pathogenic. The p.Arg2002His variant in COL7A1 has been reported in one individual with recessive dystrophic epidermolysis bullosa (RDEB) who was compound heterozygous for a second truncating variant in COL7A1 (Takeichi 2015). It has also been identified in 0.004% (1/23998) of African chromosomes by gnomAD. Computational prediction tools and conservation analyses do not provide strong support for or against an impact to the protein. And, although this variant falls in the triple helical region of the collagen molecule, it is in the Y position of a Gly-X-Y repeat and most disease-associated variants in this region are Gly substitutions (Dang 2008). In summary, while there is some suspicion for a pathogenic role, the clinical significance of this variant is uncertain. ACMG/AMP Criteria applied: PM2, PM3.

GeneDx
Classification: Likely pathogenic. Last evaluated: 2017-08-17. Review status: criteria provided, single submitter. Criteria: GeneDx Variant Classification (06012015). Collection method: clinical testing. Allele origin: germline. Affected: yes.
Comment: The R2002H variant in the COL7A1 gene has been reported previously, in trans with a nonsense variant, in a patient with epidermolysis bullosa (Takeichi et al. 2015). This variant is not observed at a significant frequency in large population cohorts (Lek et al., 2016; 1000 Genomes Consortium et al., 2015; Exome Variant Server). The R2002H variant is a conservative amino acid substitution, which is not likely to impact secondary protein structure as these residues share similar properties. However, this substitution occurs at the Y residue in the Gly-X-Y triple helical region that is conserved across species, and in silico analysis is inconsistent in its predictions as to whether or not the variant is damaging to the protein structure/function. Missense variants in the same codon (R2002C) and nearby Glycine residues (G2003R, G2003E, G2006A, G2006D) have been reported in the Human Gene Mutation Database in association with dystrophic epidermolysis bullosa (Stenson et al., 2014), supporting the functional importance of this region of the protein. We interpret R2002H as a likely pathogenic variant.

Natera, Inc.
Classification: Likely pathogenic for Autosomal recessive epidermolysis bullosa dystrophica inversa. Last evaluated: 2020-09-16. Review status: no assertion criteria provided. Collection method: clinical testing. Allele origin: germline. Not counted in ClinVar's aggregate classification.

Literature cited by the submitters: PubMed 24947307 (cited by 4 submitters).

NM_000094.4(COL7A1):c.6005G>A (p.Arg2002His)

Gene: COL7A1 (collagen type VII alpha 1 chain; minus strand). Cytogenetic location: 3p21.31.
Variant type: single nucleotide variant.
Coding change: c.6005G>A on transcript NM_000094.4 (MANE Select); coding-DNA position 6005, G replaced by A.
Protein change: p.Arg2002His; replaces arginine 2002 with histidine.
Molecular consequence: missense variant.
Genome position (GRCh38, 1-based): chr3:48,575,514, C>T on the plus strand (G>A on the coding strand, the complement: COL7A1 is on the minus strand). VCF-style: chr3-48575514-C-T. GRCh37 (hg19) VCF-style: chr3-48612947-C-T.
Other names: short protein forms R2002H.
Identifiers: ClinVar variation 449666 (VCV000449666.14), dbSNP rs768326843, ClinGen allele CA2379216.